The following is an entry in ClinVar:

ClinVar aggregate classification (germline): Uncertain significance. Review status: criteria provided, multiple submitters, no conflicts (2 of 4 stars). 2 submissions from 2 submitters: Uncertain significance (2). Last evaluated 2025-04-08.

Conditions:
CLCN6-related disorder. Also called: CLCN6-related condition.

Allele frequency attached by ClinVar (database versions not stated): 1000 Genomes Project 0.00020; 1000 Genomes Project 30x 0.00016.
gnomAD v4.1: 11 of 1,614,040 alleles (0.00068%); highest among the groups gnomAD compares: East Asian, 0.0045%; no homozygotes.

Submissions (2):

Labcorp Genetics (formerly Invitae), Labcorp
Classification: Uncertain significance. Last evaluated: 2025-04-08. Review status: criteria provided, single submitter. Criteria: Invitae Variant Classification Sherloc (09022015). Collection method: clinical testing. Allele origin: germline.
Comment: This sequence change replaces arginine, which is basic and polar, with histidine, which is basic and polar, at codon 535 of the CLCN6 protein (p.Arg535His). This variant is present in population databases (rs556741884, gnomAD 0.006%). This variant has not been reported in the literature in individuals affected with CLCN6-related conditions. ClinVar contains an entry for this variant (Variation ID: 2630092). An algorithm developed to predict the effect of missense changes on protein structure and function (PolyPhen-2) suggests that this variant is likely to be disruptive. In summary, the available evidence is currently insufficient to determine the role of this variant in disease. Therefore, it has been classified as a Variant of Uncertain Significance.

PreventionGenetics, part of Exact Sciences
Classification: Uncertain significance for CLCN6-related condition. Last evaluated: 2022-12-16. Review status: criteria provided, single submitter. Criteria: ACMG Guidelines, 2015. Collection method: clinical testing. Allele origin: germline.
Comment: The CLCN6 c.1604G>A variant is predicted to result in the amino acid substitution p.Arg535His. To our knowledge, this variant has not been reported in the literature. This variant is reported in 0.0065% of alleles in individuals of South Asian descent in gnomAD. At this time, the clinical significance of this variant is uncertain due to the absence of conclusive functional and genetic evidence.

NM_001286.5(CLCN6):c.1604G>A (p.Arg535His)

Gene: CLCN6 (Cl-/H+ antiporter 6; plus strand). Cytogenetic location: 1p36.22.
Variant type: single nucleotide variant.
Coding change: c.1604G>A on transcript NM_001286.5 (MANE Select); coding-DNA position 1604, G replaced by A.
Protein change: p.Arg535His; replaces arginine 535 with histidine.
Molecular consequence: missense variant. On other transcripts: non-coding transcript variant (1).
Genome position (GRCh38, 1-based): chr1:11,834,313, G>A. VCF-style: chr1-11834313-G-A. GRCh37 (hg19) VCF-style: chr1-11894370-G-A.
Other names: c.1538G>A, p.Arg513His (NM_001256959.2); short protein forms R513H, R535H.
Identifiers: ClinVar variation 2630092 (VCV002630092.4), dbSNP rs556741884, ClinGen allele CA596552.